The following is an entry in ClinVar:

ClinVar aggregate classification (germline): Uncertain significance (1 of 4 stars; one submission).

Conditions:
Inborn genetic diseases. Identifiers: MedGen C0950123, MeSH D030342.

Submission:

Ambry Genetics
Classification: Uncertain significance for Inborn genetic diseases. Last evaluated: 2026-06-06. Review status: criteria provided, single submitter. Criteria: Ambry Variant Classification Scheme 2023. Collection method: clinical testing. Allele origin: germline.
Comment: The p.L368W variant (also known as c.1103T>G), located in coding exon 9 of the FANCG gene, results from a T to G substitution at nucleotide position 1103. The leucine at codon 368 is replaced by tryptophan, an amino acid with similar properties. This amino acid position is conserved. In addition, the in silico prediction for this alteration is inconclusive. Based on the available evidence, the clinical significance of this variant remains unclear.

NM_004629.2(FANCG):c.1103T>G (p.Leu368Trp)

Gene: FANCG (FA complementation group G; minus strand). Cytogenetic location: 9p13.3.
Variant type: single nucleotide variant.
Coding change: c.1103T>G on transcript NM_004629.2 (MANE Select); coding-DNA position 1103, T replaced by G.
Protein change: p.Leu368Trp; replaces leucine 368 with tryptophan.
Molecular consequence: missense variant.
Genome position (GRCh38, 1-based): chr9:35,076,002, A>C on the plus strand (T>G on the coding strand, the complement: FANCG is on the minus strand). VCF-style: chr9-35076002-A-C. GRCh37 (hg19) VCF-style: chr9-35075999-A-C.
Other names: short protein forms L368W.
Identifiers: ClinVar variation 4871017 (VCV004871017.1).